The following is an entry in ClinVar:

ClinVar aggregate classification (germline): Uncertain significance. Review status: criteria provided, multiple submitters, no conflicts (2 of 4 stars). 3 submissions from 3 submitters: Uncertain significance (3). Last evaluated 2024-08-16.

Conditions:
Hereditary cancer-predisposing syndrome. Also called: Hereditary Cancer Syndrome; Hereditary neoplastic syndrome; Neoplastic Syndromes, Hereditary; Tumor predisposition. Identifiers: Orphanet 140162, MedGen C0027672, MeSH D009386, MONDO:0015356.
Fanconi anemia complementation group J. Also called: BRIP1-Related Fanconi Anemia. Identifiers: Orphanet 84, MedGen C1836860, MONDO:0012187, OMIM 609054.
Familial cancer of breast. Also called: BREAST CANCER, FAMILIAL; hereditary breast carcinoma; Hereditary breast cancer. Identifiers: Orphanet 227535, MedGen C0346153, MONDO:0016419, OMIM 114480. Disease mechanism: loss of function.

gnomAD v4.1: 1 of 1,610,878 alleles (0.000062%); no homozygotes.

Submissions (3):

Ambry Genetics
Classification: Uncertain significance for Hereditary cancer-predisposing syndrome. Last evaluated: 2024-08-16. Review status: criteria provided, single submitter. Criteria: Ambry Variant Classification Scheme 2023. Collection method: clinical testing. Allele origin: germline.
Comment: The p.I446V variant (also known as c.1336A>G), located in coding exon 8 of the BRIP1 gene, results from an A to G substitution at nucleotide position 1336. The isoleucine at codon 446 is replaced by valine, an amino acid with highly similar properties. This amino acid position is conserved. In addition, this alteration is predicted to be tolerated by in silico analysis. Based on the available evidence, the clinical significance of this variant remains unclear.

Labcorp Genetics (formerly Invitae), Labcorp
Classification: Uncertain significance for Familial cancer of breast; Fanconi anemia complementation group J. Last evaluated: 2024-03-12. Review status: criteria provided, single submitter. Criteria: Invitae Variant Classification Sherloc (09022015). Collection method: clinical testing. Allele origin: germline.
Comment: This sequence change replaces isoleucine, which is neutral and non-polar, with valine, which is neutral and non-polar, at codon 446 of the BRIP1 protein (p.Ile446Val). This variant is not present in population databases (gnomAD no frequency). This variant has not been reported in the literature in individuals affected with BRIP1-related conditions. ClinVar contains an entry for this variant (Variation ID: 1332454). Advanced modeling of protein sequence and biophysical properties (such as structural, functional, and spatial information, amino acid conservation, physicochemical variation, residue mobility, and thermodynamic stability) performed at Invitae indicates that this missense variant is not expected to disrupt BRIP1 protein function with a negative predictive value of 80%. In summary, the available evidence is currently insufficient to determine the role of this variant in disease. Therefore, it has been classified as a Variant of Uncertain Significance.

Color Diagnostics, LLC DBA Color Health
Classification: Uncertain significance for Hereditary cancer-predisposing syndrome. Last evaluated: 2021-05-17. Review status: criteria provided, single submitter. Criteria: ACMG Guidelines, 2015. Collection method: clinical testing. Allele origin: germline.
Comment: This missense variant replaces isoleucine with valine at codon 446 of the BRIP1 protein. Computational prediction suggests that this variant may not impact protein structure and function (internally defined REVEL score threshold <= 0.5, PMID: 27666373). To our knowledge, functional studies have not been reported for this variant. This variant has not been reported in individuals affected with hereditary cancer in the literature. This variant has not been identified in the general population by the Genome Aggregation Database (gnomAD). The available evidence is insufficient to determine the role of this variant in disease conclusively. Therefore, this variant is classified as a Variant of Uncertain Significance.

NM_032043.3(BRIP1):c.1336A>G (p.Ile446Val)

Gene: BRIP1 (BRCA1 interacting DNA helicase 1; minus strand). Cytogenetic location: 17q23.2.
Variant type: single nucleotide variant.
Coding change: c.1336A>G on transcript NM_032043.3 (MANE Select); coding-DNA position 1336, A replaced by G.
Protein change: p.Ile446Val; replaces isoleucine 446 with valine.
Molecular consequence: missense variant.
Genome position (GRCh38, 1-based): chr17:61,799,104, T>C on the plus strand (A>G on the coding strand, the complement: BRIP1 is on the minus strand). VCF-style: chr17-61799104-T-C. GRCh37 (hg19) VCF-style: chr17-59876465-T-C.
Other names: short protein forms I446V.
Identifiers: ClinVar variation 1332454 (VCV001332454.12), dbSNP rs786203496, ClinGen allele CA400483309.